The following is an entry in ClinVar:

NM_006017.3(PROM1):c.2213A>C (p.Glu738Ala)

Gene: PROM1 (prominin 1; minus strand). Cytogenetic location: 4p15.32.
Variant type: single nucleotide variant.
Coding change: c.2213A>C on transcript NM_006017.3 (MANE Select); coding-DNA position 2213, A replaced by C.
Protein change: p.Glu738Ala; replaces glutamic acid 738 with alanine.
Molecular consequence: missense variant.
Genome position (GRCh38, 1-based): chr4:15,985,827, T>G on the plus strand (A>C on the coding strand, the complement: PROM1 is on the minus strand). VCF-style: chr4-15985827-T-G. GRCh37 (hg19) VCF-style: chr4-15987450-T-G.
Other names: c.2213A>C (NM_006017.2); c.2186A>C, p.Glu729Ala (NM_001145847.2, NM_001145848.2, NM_001145851.2 and 4 more transcripts); c.2213A>C, p.Glu738Ala (NM_001145849.2, NM_001145850.2); short protein forms E738A, E729A.
Identifiers: ClinVar variation 1465321 (VCV001465321.7), dbSNP rs944223905, ClinGen allele CA92576037.

ClinVar aggregate classification (germline): Uncertain significance. Review status: criteria provided, multiple submitters, no conflicts (2 of 4 stars). 2 submissions from 2 submitters: Uncertain significance (2). Last evaluated 2024-11-25.

Conditions:
Inborn genetic diseases. Identifiers: MedGen C0950123, MeSH D030342.

Allele frequency attached by ClinVar (database versions not stated): gnomAD exomes 0.00001; TOPMed 0.00004.
gnomAD v4.1: 7 of 1,072,284 alleles (0.00065%); highest among the groups gnomAD compares: Admixed American, 0.017%; no homozygotes.

Submissions (2):

Ambry Genetics
Classification: Uncertain significance for Inborn genetic diseases. Last evaluated: 2024-11-25. Review status: criteria provided, single submitter. Criteria: Ambry Variant Classification Scheme 2023. Collection method: clinical testing. Allele origin: germline.

Labcorp Genetics (formerly Invitae), Labcorp
Classification: Uncertain significance. Last evaluated: 2023-07-16. Review status: criteria provided, single submitter. Criteria: Invitae Variant Classification Sherloc (09022015). Collection method: clinical testing. Allele origin: germline.
Comment: This sequence change replaces glutamic acid, which is acidic and polar, with alanine, which is neutral and non-polar, at codon 738 of the PROM1 protein (p.Glu738Ala). In summary, the available evidence is currently insufficient to determine the role of this variant in disease. Therefore, it has been classified as a Variant of Uncertain Significance. Algorithms developed to predict the effect of missense changes on protein structure and function output the following: SIFT: "Not Available"; PolyPhen-2: "Possibly Damaging"; Align-GVGD: "Not Available". The alanine amino acid residue is found in multiple mammalian species, which suggests that this missense change does not adversely affect protein function. ClinVar contains an entry for this variant (Variation ID: 1465321). This variant has not been reported in the literature in individuals affected with PROM1-related conditions. This variant is present in population databases (no rsID available, gnomAD 0.01%).